The following is an entry in ClinVar:

NM_000038.6(APC):c.8435A>T (p.Asn2812Ile)

Gene: APC (APC regulator of Wnt signaling pathway; plus strand). Cytogenetic location: 5q22.2.
Variant type: single nucleotide variant.
Coding change: c.8435A>T on transcript NM_000038.6 (MANE Select); coding-DNA position 8435, A replaced by T.
Protein change: p.Asn2812Ile; replaces asparagine 2812 with isoleucine.
Molecular consequence: missense variant. On other transcripts: non-coding transcript variant (2).
Genome position (GRCh38, 1-based): chr5:112,844,029, A>T. VCF-style: chr5-112844029-A-T. GRCh37 (hg19) VCF-style: chr5-112179726-A-T.
Other names: c.8435A>T, p.Asn2812Ile (NM_001127510.3, NM_001354895.2, NM_001407450.1); c.8381A>T, p.Asn2794Ile (NM_001127511.3); c.8489A>T, p.Asn2830Ile (NM_001354896.2, NM_001407447.1, NM_001407448.1 and 1 more transcripts); c.8465A>T, p.Asn2822Ile (NM_001354897.2); c.8360A>T, p.Asn2787Ile (NM_001354898.2); c.8351A>T, p.Asn2784Ile (NM_001354899.2); c.8312A>T, p.Asn2771Ile (NM_001354900.2); c.8258A>T, p.Asn2753Ile (NM_001354901.2, NM_001407453.1); and 11 more; short protein forms N2784I, N2794I, N2529I, N2686I, N2711I, N2787I, N2802I, N2805I.
Identifiers: ClinVar variation 3928598 (VCV003928598.1).

ClinVar aggregate classification (germline): Uncertain significance (1 of 4 stars; one submission).

Conditions:
Hereditary cancer-predisposing syndrome. Also called: Hereditary Cancer Syndrome; Hereditary neoplastic syndrome; Neoplastic Syndromes, Hereditary; Tumor predisposition. Identifiers: Orphanet 140162, MedGen C0027672, MeSH D009386, MONDO:0015356.

Submission:

Ambry Genetics
Classification: Uncertain significance for Hereditary cancer-predisposing syndrome. Last evaluated: 2025-04-09. Review status: criteria provided, single submitter. Criteria: Ambry Variant Classification Scheme 2023. Collection method: clinical testing. Allele origin: germline.
Comment: The p.N2812I variant (also known as c.8435A>T), located in coding exon 15 of the APC gene, results from an A to T substitution at nucleotide position 8435. The asparagine at codon 2812 is replaced by isoleucine, an amino acid with dissimilar properties. This amino acid position is conserved. In addition, in silico predictors for this gene do not accurately predict pathogenicity. Based on the available evidence, the clinical significance of this variant remains unclear.